The following is an entry in ClinVar:

ClinVar aggregate classification (germline): Conflicting classifications of pathogenicity. Review status: criteria provided, conflicting classifications (1 of 4 stars). 3 submissions from 2 submitters: Uncertain significance (2); Likely benign (1). Last evaluated 2022-11-01.

Conditions:
Muscular dystrophy-dystroglycanopathy (congenital with brain and eye anomalies), type A, 4 (MDDGA4). Also called: WALKER-WARBURG SYNDROME OR MUSCLE-EYE-BRAIN DISEASE, FKTN-RELATED; Muscular dystrophy, congenital progressive, with mental retardation; Muscular dystrophy, congenital, with central nervous system involvement; Cerebromuscular dystrophy, Fukuyama type; Walker-Warburg Syndrome, Fktn-Related; Fukuyama congenital muscular dystrophy. Identifiers: Orphanet 272, Orphanet 588, Orphanet 899, MedGen C0410174, MONDO:0009678, OMIM 253800.
Dilated cardiomyopathy 1X (CMD1X). Also called: FKTN-Related Dilated Cardiomyopathy; CARDIOMYOPATHY, DILATED, WITH MILD OR NO PROXIMAL MUSCLE WEAKNESS. Identifiers: Orphanet 154, MedGen C1969024, MONDO:0012704, OMIM 611615.

Allele frequency attached by ClinVar (database versions not stated): gnomAD 0.00167 and 0.00193; TOPMed 0.00187; 1000 Genomes Project 0.00220; gnomAD exomes 0.00231; 1000 Genomes Project 30x 0.00234.
gnomAD v4.1: 2,261 of 985,342 alleles (0.23%); highest among the groups gnomAD compares: Middle Eastern, 2.4%; 4 homozygotes.

Submissions (3):

CeGaT Center for Human Genetics Tuebingen
Classification: Likely benign. Last evaluated: 2022-11-01. Review status: criteria provided, single submitter. Criteria: CeGaT Center For Human Genetics Tuebingen Variant Classification Criteria Version 2. Collection method: clinical testing. Allele origin: germline. Affected: yes. Observed: 1 variant allele.
Comment: FKTN: BS2

Illumina Laboratory Services, Illumina
Classification: Uncertain significance for Muscular dystrophy-dystroglycanopathy (congenital with brain and eye anomalies), type A, 4. Last evaluated: 2018-01-13. Review status: criteria provided, single submitter. Criteria: ICSL Variant Classification Criteria 13 December 2019. Collection method: clinical testing. Allele origin: germline.

Illumina Laboratory Services, Illumina
Classification: Uncertain significance for Dilated cardiomyopathy 1X. Last evaluated: 2018-01-13. Review status: criteria provided, single submitter. Criteria: ICSL Variant Classification Criteria 13 December 2019. Collection method: clinical testing. Allele origin: germline.

NM_001079802.2(FKTN):c.*3918A>G

Gene: FKTN (fukutin; plus strand). Cytogenetic location: 9q31.2.
Variant type: single nucleotide variant.
Coding change: c.*3918A>G on transcript NM_001079802.2 (MANE Select); 3918 bases downstream of the stop codon, A replaced by G.
Molecular consequence: 3 prime UTR variant. On other transcripts: non-coding transcript variant (2), intron variant (1).
Genome position (GRCh38, 1-based): chr9:105,639,182, A>G. VCF-style: chr9-105639182-A-G. GRCh37 (hg19) VCF-style: chr9-108401463-A-G.
Other names: c.*3918A>G (NM_001351496.2, NM_001351497.2, NM_001351499.2 and 4 more transcripts); c.*4096A>G (NM_001351498.2); c.1271-919A>G (NM_001198963.2).
Identifiers: ClinVar variation 364518 (VCV000364518.29), dbSNP rs17316607, ClinGen allele CA10628725.
Genomic context (GRCh38, chr9:105,639,182, plus strand): 5'-AAGTGCCACATTCCCACCTTCTAACAGGTAATTATTAGTTGTAATAGCTTTAATGCATGG[A>G]AAAACTTCAGTTACTGACCAGTCAAGAGAATTTCTCAAGAAAAATCCCAGCAACGTTCCC-3'